The following is an entry in ClinVar:

NM_005045.4(RELN):c.1484T>C (p.Ile495Thr)

Gene: RELN (reelin; minus strand). Cytogenetic location: 7q22.1.
Variant type: single nucleotide variant.
Coding change: c.1484T>C on transcript NM_005045.4 (MANE Select); coding-DNA position 1484, T replaced by C.
Protein change: p.Ile495Thr; replaces isoleucine 495 with threonine.
Molecular consequence: missense variant.
Genome position (GRCh38, 1-based): chr7:103,654,163, A>G on the plus strand (T>C on the coding strand, the complement: RELN is on the minus strand). VCF-style: chr7-103654163-A-G. GRCh37 (hg19) VCF-style: chr7-103294610-A-G.
Other names: c.1484T>C, p.Ile495Thr (NM_173054.3); short protein forms I495T.
Identifiers: ClinVar variation 3754314 (VCV003754314.2).

ClinVar aggregate classification (germline): Uncertain significance (1 of 4 stars; one submission).

Conditions:
Norman-Roberts syndrome (LIS2). Also called: Lissencephaly 2 (Norman-Roberts type). Identifiers: Orphanet 89844, MedGen C0796089, MONDO:0009760, OMIM 257320.
Familial temporal lobe epilepsy 7. Identifiers: Orphanet 101046, MedGen C4225327, MONDO:0014639, OMIM 616436.

Submission:

Labcorp Genetics (formerly Invitae), Labcorp
Classification: Uncertain significance for Familial temporal lobe epilepsy 7; Norman-Roberts syndrome. Last evaluated: 2024-02-01. Review status: criteria provided, single submitter. Criteria: Invitae Variant Classification Sherloc (09022015). Collection method: clinical testing. Allele origin: germline.
Comment: This sequence change replaces isoleucine, which is neutral and non-polar, with threonine, which is neutral and polar, at codon 495 of the RELN protein (p.Ile495Thr). This variant is not present in population databases (gnomAD no frequency). This variant has not been reported in the literature in individuals affected with RELN-related conditions. Advanced modeling of protein sequence and biophysical properties (such as structural, functional, and spatial information, amino acid conservation, physicochemical variation, residue mobility, and thermodynamic stability) performed at Invitae indicates that this missense variant is not expected to disrupt RELN protein function with a negative predictive value of 80%. In summary, the available evidence is currently insufficient to determine the role of this variant in disease. Therefore, it has been classified as a Variant of Uncertain Significance.